The following is an entry in ClinVar:

ClinVar aggregate classification (germline): Uncertain significance (1 of 4 stars; one submission).

Submission:

GeneDx
Classification: Uncertain significance. Last evaluated: 2022-05-31. Review status: criteria provided, single submitter. Criteria: GeneDx Variant Classification Process June 2021. Collection method: clinical testing. Allele origin: germline. Affected: yes.
Comment: Not observed at significant frequency in large population cohorts (gnomAD); In silico analysis supports that this missense variant has a deleterious effect on protein structure/function; Has not been previously published as pathogenic or benign to our knowledge; This variant is associated with the following publications: (PMID: 12070251)

NM_004380.3(CREBBP):c.4670A>T (p.Glu1557Val)

Gene: CREBBP (CREB binding protein; minus strand). Cytogenetic location: 16p13.3.
Variant type: single nucleotide variant.
Coding change: c.4670A>T on transcript NM_004380.3 (MANE Select); coding-DNA position 4670, A replaced by T.
Protein change: p.Glu1557Val; replaces glutamic acid 1557 with valine.
Molecular consequence: missense variant.
Genome position (GRCh38, 1-based): chr16:3,736,094, T>A on the plus strand (A>T on the coding strand, the complement: CREBBP is on the minus strand). VCF-style: chr16-3736094-T-A. GRCh37 (hg19) VCF-style: chr16-3786095-T-A.
Other names: c.4556A>T, p.Glu1519Val (NM_001079846.1); short protein forms E1519V, E1557V.
Identifiers: ClinVar variation 1802014 (VCV001802014.1), dbSNP rs2548361975, ClinGen allele CA394562257.
Genomic context (GRCh38, chr16:3,736,094, plus strand): 5'-ACCTCAGTGGTTTCACTGGCTGCAGTGCTCTCTTCCTTTTTCCTCTCCTCTTCTTCTTGT[T>A]CTAGTTCCTTAATGCTCTCTTCTAACACATTGGGCCAGAAATCACCTTCAAAATAGGGCA-3'
Protein context (NP_004371.2, residues 1547-1567): NVLEESIKEL[Glu1557Val]QEEEERKKEE